The following is an entry in ClinVar:

NM_174936.4(PCSK9):c.1825A>C (p.Lys609Gln)

Gene: PCSK9 (proprotein convertase subtilisin/kexin type 9; plus strand). Cytogenetic location: 1p32.3.
Variant type: single nucleotide variant.
Coding change: c.1825A>C on transcript NM_174936.4 (MANE Select); coding-DNA position 1825, A replaced by C.
Protein change: p.Lys609Gln; replaces lysine 609 with glutamine.
Molecular consequence: missense variant. On other transcripts: non-coding transcript variant (8).
Genome position (GRCh38, 1-based): chr1:55,061,518, A>C. VCF-style: chr1-55061518-A-C. GRCh37 (hg19) VCF-style: chr1-55527191-A-C.
Other names: c.1867A>C, p.Lys623Gln (NM_001407241.1); c.1828A>C, p.Lys610Gln (NM_001407242.1); c.1768A>C, p.Lys590Gln (NM_001407243.1); c.1651A>C, p.Lys551Gln (NM_001407244.1); c.1633A>C, p.Lys545Gln (NM_001407245.1); c.1450A>C, p.Lys484Gln (NM_001407246.1); c.1324A>C, p.Lys442Gln (NM_001407247.1); c.1948A>C, p.Lys650Gln (NM_001407240.1); short protein forms K442Q, K484Q, K545Q, K551Q, K590Q, K609Q, K610Q, K623Q.
Identifiers: ClinVar variation 3071400 (VCV003071400.2), dbSNP rs2523278590, ClinGen allele CA340480449.
Genomic context (GRCh38, chr1:55,061,518, plus strand): 5'-GTGGGCCACAGGGAGGCCAGCATCCACGCTTCCTGCTGCCATGCCCCAGGTCTGGAATGC[A>C]AAGTCAAGGAGCATGGAATCCCGGCCCCTCAGGAGCAGGTGAAGAGGCCCGTGAGGCCGG-3'
Protein context (NP_777596.2, residues 599-619): SCCHAPGLEC[Lys609Gln]VKEHGIPAPQ

ClinVar aggregate classification (germline): Uncertain significance. Review status: criteria provided, multiple submitters, no conflicts (2 of 4 stars). 2 submissions from 2 submitters: Uncertain significance (2). Last evaluated 2025-04-09.

Conditions:
Hypercholesterolemia, autosomal dominant, 3 (FHCL3). Also called: Familial Hypercholesterolemia, Autosomal Dominant, 3; PCSK9-Related Familial Hypercholesterolemia, Autosomal Dominant; Familial hypercholesterolemia 3. Identifiers: MedGen C1863551, MONDO:0011369, OMIM 603776.
Cardiovascular phenotype. Identifiers: MedGen CN230736.

Submissions (2):

Molecular Diagnostic Laboratory for Inherited Cardiovascular Disease, Montreal Heart Institute
Classification: Uncertain significance for Cardiovascular phenotype. Last evaluated: 2025-04-09. Review status: criteria provided, single submitter. Criteria: ACMG Guidelines, 2015. Collection method: clinical testing. Allele origin: germline. Affected: yes.

All of Us Research Program, National Institutes of Health
Classification: Uncertain significance for Hypercholesterolemia, autosomal dominant, 3. Last evaluated: 2023-05-31. Review status: criteria provided, single submitter. Criteria: ACMG Guidelines, 2015. Collection method: clinical testing. Allele origin: germline. Inheritance: Autosomal dominant inheritance. Observed: 1 variant allele, 1 heterozygote.
Comment: This study involves interpretation of variants in research participants for the purpose of population health screening. Participant phenotype was not available at the time of variant classification. Additional details can be found in publication PMID: 35346344, PMCID: PMC8962531